The following is an entry in ClinVar:

NM_004333.6(BRAF):c.1695T>A (p.Asp565Glu)

Gene: BRAF (B-Raf proto-oncogene, serine/threonine kinase; minus strand). Cytogenetic location: 7q34.
Variant type: single nucleotide variant.
Coding change: c.1695T>A on transcript NM_004333.6 (MANE Select); coding-DNA position 1695, T replaced by A.
Protein change: p.Asp565Glu; replaces aspartic acid 565 with glutamic acid.
Molecular consequence: missense variant.
Genome position (GRCh38, 1-based): chr7:140,754,233, A>T on the plus strand (T>A on the coding strand, the complement: BRAF is on the minus strand). VCF-style: chr7-140754233-A-T. GRCh37 (hg19) VCF-style: chr7-140454033-A-T.
Other names: c.1695T>A, p.Asp565Glu (NM_001354609.2, NM_001378468.1, NM_001378474.1); c.1815T>A, p.Asp605Glu (NM_001374244.1, NM_001374258.1); c.1704T>A, p.Asp568Glu (NM_001378467.1); c.1629T>A, p.Asp543Glu (NM_001378469.1); c.1593T>A, p.Asp531Glu (NM_001378470.1); c.1584T>A, p.Asp528Glu (NM_001378471.1); c.1539T>A, p.Asp513Glu (NM_001378472.1, NM_001378473.1); c.1431T>A, p.Asp477Glu (NM_001378475.1); short protein forms D513E, D528E, D543E, D568E, D605E, D477E, D531E, D565E.
Identifiers: ClinVar variation 2769805 (VCV002769805.4), dbSNP rs397507480, ClinGen allele CA369544012.

ClinVar aggregate classification (germline): Likely pathogenic. Review status: criteria provided, multiple submitters, no conflicts (2 of 4 stars). 2 submissions from 2 submitters: Likely pathogenic (2). Last evaluated 2024-04-01.

Conditions:
RASopathy. Also called: rasopathies; Noonan spectrum disorder. Identifiers: Orphanet 536391, MedGen C5555857, MONDO:0021060.
Cardiofaciocutaneous syndrome 1 (CFC1). Also called: BRAF-Related Cardiofaciocutaneous Syndrome; MAP2K1-Related Cardiofaciocutaneous Syndrome; KRAS-Related Cardiofaciocutaneous Syndrome; MAP2K2-Related Cardiofaciocutaneous Syndrome. Identifiers: Orphanet 1340, MedGen CN029449, MONDO:0007265, OMIM 115150. Disease mechanism: gain of function.

Submissions (2):

Daryl Scott Lab, Baylor College of Medicine
Classification: Likely pathogenic for Cardiofaciocutaneous syndrome 1. Last evaluated: 2024-04-01. Review status: criteria provided, single submitter. Criteria: ACMG Guidelines, 2015. Collection method: clinical testing. Allele origin: de novo. Observed: 1 heterozygote.
Comment: PS2, PM2

Labcorp Genetics (formerly Invitae), Labcorp
Classification: Likely pathogenic for RASopathy. Last evaluated: 2023-10-18. Review status: criteria provided, single submitter. Criteria: Invitae Variant Classification Sherloc (09022015). Collection method: clinical testing. Allele origin: germline.
Comment: This sequence change replaces aspartic acid, which is acidic and polar, with glutamic acid, which is acidic and polar, at codon 565 of the BRAF protein (p.Asp565Glu). This variant is not present in population databases (gnomAD no frequency). This missense change has been observed in individual(s) with clinical features of cardio-facio-cutaneous syndrome (PMID: 17551924). In at least one individual the variant was observed to be de novo. An algorithm developed to predict the effect of missense changes on protein structure and function (PolyPhen-2) suggests that this variant is likely to be tolerated. Algorithms developed to predict the effect of sequence changes on RNA splicing suggest that this variant may create or strengthen a splice site. This variant disrupts the p.Asp565 amino acid residue in BRAF. Other variant(s) that disrupt this residue have been observed in individuals with BRAF-related conditions (PMID: 24451042), which suggests that this may be a clinically significant amino acid residue. In summary, the currently available evidence indicates that the variant is pathogenic, but additional data are needed to prove that conclusively. Therefore, this variant has been classified as Likely Pathogenic.

Literature cited by the submitters: PubMed 17551924 (cited by Labcorp Genetics (formerly Invitae), Labcorp); PubMed 24451042 (cited by Labcorp Genetics (formerly Invitae), Labcorp).